The following is an entry in ClinVar:

ClinVar aggregate classification (germline): Pathogenic. Review status: reviewed by expert panel (3 of 4 stars). 9 submissions from 9 submitters: Pathogenic (1). 8 of the submissions do not count toward it. Last evaluated 2016-10-18.

Conditions:
Breast-ovarian cancer, familial, susceptibility to, 2 (BROVCA2). Also called: BRCA2 Hereditary Breast and Ovarian Cancer. Identifiers: Orphanet 145, MedGen C2675520, MONDO:0012933, OMIM 612555. Disease mechanism: loss of function.
Hereditary cancer-predisposing syndrome. Also called: Neoplastic Syndromes, Hereditary; Hereditary Cancer Syndrome; Tumor predisposition; Hereditary neoplastic syndrome. Identifiers: Orphanet 140162, MedGen C0027672, MeSH D009386, MONDO:0015356.
Hereditary breast ovarian cancer syndrome. Also called: Hereditary breast and ovarian cancer; BRCA1- and BRCA2-Associated Hereditary Breast and Ovarian Cancer; Hereditary breast and ovarian cancer syndrome; Hereditary breast and ovarian cancer syndrome (HBOC); Breast and ovarian cancer; Hereditary breast and/or ovarian cancer syndrome. Identifiers: Orphanet 145, MedGen C0677776, MeSH D061325, MONDO:0003582. Disease mechanism: loss of function.

Submissions (9):

Evidence-based Network for the Interpretation of Germline Mutant Alleles (ENIGMA)
Classification: Pathogenic for Breast-ovarian cancer, familial, susceptibility to, 2. Last evaluated: 2016-10-18. Review status: reviewed by expert panel. Criteria: ENIGMA BRCA1/2 Classification Criteria (2015). Collection method: curation. Allele origin: germline.
Comment: Variant allele predicted to encode a truncated non-functional protein.

Ambry Genetics
Classification: Pathogenic for Hereditary cancer-predisposing syndrome. Last evaluated: 2026-06-03. Review status: criteria provided, single submitter. Criteria: Ambry Variant Classification Scheme 2023. Collection method: clinical testing. Allele origin: germline. Not counted in ClinVar's aggregate classification.
Comment: The p.Y2977* pathogenic mutation (also known as c.8931T>A), located in coding exon 21 of the BRCA2 gene, results from a T to A substitution at nucleotide position 8931. This changes the amino acid from a tyrosine to a stop codon within coding exon 21. Two saturation genome editing-based studies, including a haploid cell-survival assay and a humanized mouse embryonic stem cell line assay of drug response and survival, demonstrate that this nucleotide substitution is non-functional(Huang H et al. Nature. 2025 Feb;638(8050):528-537; Sahu S et al. Nature. 2025 Feb;638(8050):538-545). This variant is considered to be rare based on population cohorts in the Genome Aggregation Database (gnomAD). This alteration is expected to result in loss of function by premature protein truncation or nonsense-mediated mRNA decay. As such, this alteration is interpreted as a disease-causing mutation.

Center for Genomic Medicine, Rigshospitalet, Copenhagen University Hospital
Classification: Pathogenic. Last evaluated: 2025-03-04. Review status: criteria provided, single submitter. Criteria: ACMG Guidelines, 2015. Collection method: clinical testing. Allele origin: germline. Not counted in ClinVar's aggregate classification.

Labcorp Genetics (formerly Invitae), Labcorp
Classification: Pathogenic for Hereditary breast ovarian cancer syndrome. Last evaluated: 2024-01-21. Review status: criteria provided, single submitter. Criteria: Invitae Variant Classification Sherloc (09022015). Collection method: clinical testing. Allele origin: germline. Not counted in ClinVar's aggregate classification.
Comment: This sequence change creates a premature translational stop signal (p.Tyr2977*) in the BRCA2 gene. It is expected to result in an absent or disrupted protein product. Loss-of-function variants in BRCA2 are known to be pathogenic (PMID: 20104584). This variant is not present in population databases (gnomAD no frequency). This premature translational stop signal has been observed in individual(s) with a personal and/or family history of breast and/or ovarian cancer (PMID: 29446198). ClinVar contains an entry for this variant (Variation ID: 267117). For these reasons, this variant has been classified as Pathogenic.

Clinical Genetics Laboratory, Skane University Hospital Lund
Classification: Pathogenic. Last evaluated: 2022-05-27. Review status: criteria provided, single submitter. Criteria: ACMG Guidelines, 2015. Collection method: clinical testing. Allele origin: germline. Affected: yes. Not counted in ClinVar's aggregate classification.

Laboratory for Molecular Medicine, Mass General Brigham Personalized Medicine
Classification: Likely pathogenic for Hereditary breast ovarian cancer syndrome. Last evaluated: 2020-06-19. Review status: criteria provided, single submitter. Criteria: ACMG Guidelines, 2015. Collection method: clinical testing. Allele origin: germline. Not counted in ClinVar's aggregate classification.
Comment: The p.Tyr2977X variant in BRCA2 has been identified in the literature in 1 individual with BRCA2-related cancer (Rebbeck 2018 PubMed: 29446198) and was absent from large population studies. This nonsense variant leads to a premature termination codon at position 2977, which is predicted to lead to a truncated or absent protein. Loss of function of the BRCA2 gene is an established disease mechanism in autosomal dominant HBOC. In addition, this variant was classified as pathogenic on October 18, 2016 by the ClinGen-approved ENIGMA expert panel (ClinVar SCV000324712.1). In summary, although additional studies are required to fully establish its clinical significance, this variant meets criteria to be classified as likely pathogenic for autosomal dominant hereditary breast and ovarian cancer. ACMG/AMP codes applied: PVS1, PM2.

GeneDx
Classification: Pathogenic. Last evaluated: 2018-06-20. Review status: criteria provided, single submitter. Criteria: GeneDx Variant Classification (06012015). Collection method: clinical testing. Allele origin: germline. Affected: yes. Not counted in ClinVar's aggregate classification.
Comment: This variant is denoted BRCA2 c.8931T>A at the cDNA level and p.Tyr2977Ter (Y2977X) at the protein level. Using alternate nomenclature, this variant would be defined as BRCA2 c.9159T>A. The substitution creates a nonsense variant, which changes a Tyrosine to a premature stop codon (TAT>TAA), and is predicted to cause loss of normal protein function through either protein truncation or nonsense-mediated mRNA decay. Although this variant has not, to our knowledge, been reported in the literature, it is considered pathogenic.

Consortium of Investigators of Modifiers of BRCA1/2 (CIMBA), c/o University of Cambridge
Classification: Pathogenic for Breast-ovarian cancer, familial, susceptibility to, 2. Last evaluated: 2015-10-02. Review status: criteria provided, single submitter. Criteria: CIMBA Mutation Classification guidelines May 2016. Collection method: clinical testing. Allele origin: germline. Not counted in ClinVar's aggregate classification.

BRCAlab, Lund University
Classification: Pathogenic for Breast-ovarian cancer, familial, susceptibility to, 2. Last evaluated: 2020-03-02. Review status: no assertion criteria provided. Collection method: clinical testing. Allele origin: germline. Affected: yes. Not counted in ClinVar's aggregate classification.

Literature cited by the submitters: PubMed 39779848 (cited by Ambry Genetics); PubMed 39779857 (cited by Ambry Genetics); PubMed 20104584 (cited by Labcorp Genetics (formerly Invitae), Labcorp); PubMed 29446198 (cited by Labcorp Genetics (formerly Invitae), Labcorp).

NM_000059.4(BRCA2):c.8931T>A (p.Tyr2977Ter)

Gene: BRCA2 (BRCA2 DNA repair associated; plus strand). Cytogenetic location: 13q13.1.
Variant type: single nucleotide variant.
Coding change: c.8931T>A on transcript NM_000059.4 (MANE Select); coding-DNA position 8931, T replaced by A.
Protein change: p.Tyr2977Ter; replaces tyrosine 2977 with a stop codon.
Molecular consequence: nonsense.
Genome position (GRCh38, 1-based): chr13:32,379,493, T>A. VCF-style: chr13-32379493-T-A. GRCh37 (hg19) VCF-style: chr13-32953630-T-A.
Other names: 9159T>A (Y2977X); short protein forms Y2977*.
Identifiers: ClinVar variation 267117 (VCV000267117.21), dbSNP rs886040801, ClinGen allele CA10589526.